The following is an entry in ClinVar:

ClinVar aggregate classification (germline): Benign (1 of 4 stars; one submission).

Allele frequency attached by ClinVar (database versions not stated): 1000 Genomes Project 30x 0.11868; 1000 Genomes Project 0.12061; TOPMed 0.13832; gnomAD 0.14612 and 0.14704.
gnomAD v4.1: 22,434 of 152,222 alleles (15%); highest among the groups gnomAD compares: Non-Finnish European, 19%; 1,951 homozygotes.

Submission:

GeneDx
Classification: Benign. Last evaluated: 2018-06-19. Review status: criteria provided, single submitter. Criteria: GeneDx Variant Classification (06012015). Collection method: clinical testing. Allele origin: germline. Affected: yes.
Comment: This variant is considered likely benign or benign based on one or more of the following criteria: it is a conservative change, it occurs at a poorly conserved position in the protein, it is predicted to be benign by multiple in silico algorithms, and/or has population frequency not consistent with disease.

NM_001035.3(RYR2):c.168+335A>T

Gene: RYR2 (ryanodine receptor 2; plus strand). Cytogenetic location: 1q43.
Variant type: single nucleotide variant.
Coding change: c.168+335A>T on transcript NM_001035.3 (MANE Select); 335 bases into the intron after coding-DNA position 168, A replaced by T.
Molecular consequence: intron variant.
Genome position (GRCh38, 1-based): chr1:237,270,951, A>T. VCF-style: chr1-237270951-A-T. GRCh37 (hg19) VCF-style: chr1-237434251-A-T.
Identifiers: ClinVar variation 683746 (VCV000683746.1), dbSNP rs12091915, ClinGen allele CA10861512.